The following is an entry in ClinVar:

NM_000051.4(ATM):c.5635C>T (p.Gln1879Ter)

Gene: ATM (ATM serine/threonine kinase; plus strand). Cytogenetic location: 11q22.3.
Variant type: single nucleotide variant.
Coding change: c.5635C>T on transcript NM_000051.4 (MANE Select); coding-DNA position 5635, C replaced by T.
Protein change: p.Gln1879Ter; replaces glutamine 1879 with a stop codon.
Molecular consequence: nonsense.
Genome position (GRCh38, 1-based): chr11:108,304,813, C>T. VCF-style: chr11-108304813-C-T. GRCh37 (hg19) VCF-style: chr11-108175540-C-T.
Other names: c.5635C>T, p.Gln1879Ter (NM_001351834.2); short protein forms Q1879*.
Identifiers: ClinVar variation 3802771 (VCV003802771.2).

ClinVar aggregate classification (germline): Pathogenic. Review status: criteria provided, multiple submitters, no conflicts (2 of 4 stars). 2 submissions from 2 submitters: Pathogenic (2). Last evaluated 2025-05-11.

Conditions:
Ataxia-telangiectasia syndrome (AT). Also called: Ataxia-telangiectasia; ATAXIA-TELANGIECTASIA, FRESNO VARIANT; Ataxia-telangiectasia, complementation group E; ATAXIA-TELANGIECTASIA, COMPLEMENTATION GROUP A; Ataxia telangiectasia (A-T); Cerebello-oculocutaneous telangiectasia. Identifiers: Orphanet 100, MedGen C0004135, MONDO:0008840, OMIM 208900.
Hereditary cancer-predisposing syndrome. Also called: Hereditary Cancer Syndrome; Hereditary neoplastic syndrome; Tumor predisposition; Neoplastic Syndromes, Hereditary. Identifiers: Orphanet 140162, MedGen C0027672, MeSH D009386, MONDO:0015356.

Submissions (2):

Labcorp Genetics (formerly Invitae), Labcorp
Classification: Pathogenic for Ataxia-telangiectasia syndrome. Last evaluated: 2025-05-11. Review status: criteria provided, single submitter. Criteria: Invitae Variant Classification Sherloc (09022015). Collection method: clinical testing. Allele origin: germline.
Comment: This sequence change creates a premature translational stop signal (p.Gln1879*) in the ATM gene. It is expected to result in an absent or disrupted protein product. Loss-of-function variants in ATM are known to be pathogenic (PMID: 23807571, 25614872). This variant is not present in population databases (gnomAD no frequency). This variant has not been reported in the literature in individuals affected with ATM-related conditions. For these reasons, this variant has been classified as Pathogenic.

Ambry Genetics
Classification: Pathogenic for Hereditary cancer-predisposing syndrome. Last evaluated: 2025-03-05. Review status: criteria provided, single submitter. Criteria: Ambry Variant Classification Scheme 2023. Collection method: clinical testing. Allele origin: germline.
Comment: The p.Q1879* pathogenic mutation (also known as c.5635C>T), located in coding exon 36 of the ATM gene, results from a C to T substitution at nucleotide position 5635. This changes the amino acid from a glutamine to a stop codon within coding exon 36. This variant is considered to be rare based on population cohorts in the Genome Aggregation Database (gnomAD). This alteration is expected to result in loss of function by premature protein truncation or nonsense-mediated mRNA decay. As such, this alteration is interpreted as a disease-causing mutation.

Literature cited by the submitters: PubMed 23807571 (cited by Labcorp Genetics (formerly Invitae), Labcorp); PubMed 25614872 (cited by Labcorp Genetics (formerly Invitae), Labcorp).